The following is an entry in ClinVar:

NM_004006.3(DMD):c.8593A>G (p.Thr2865Ala)

Gene: DMD (dystrophin; minus strand). Cytogenetic location: Xp21.2.
Variant type: single nucleotide variant.
Coding change: c.8593A>G on transcript NM_004006.3 (MANE Select); coding-DNA position 8593, A replaced by G.
Protein change: p.Thr2865Ala; replaces threonine 2865 with alanine.
Molecular consequence: missense variant.
Genome position (GRCh38, 1-based): chrX:31,479,058, T>C on the plus strand (A>G on the coding strand, the complement: DMD is on the minus strand). VCF-style: chrX-31479058-T-C. GRCh37 (hg19) VCF-style: chrX-31497175-T-C.
Other names: c.8569A>G, p.Thr2857Ala (NM_000109.4); c.8581A>G, p.Thr2861Ala (NM_004009.3); c.8224A>G, p.Thr2742Ala (NM_004010.3); c.4570A>G, p.Thr1524Ala (NM_004011.4); c.4561A>G, p.Thr1521Ala (NM_004012.4); c.1213A>G, p.Thr405Ala (NM_004013.3, NM_004020.4, NM_004021.3 and 2 more transcripts); c.406A>G, p.Thr136Ala (NM_004014.3); short protein forms T2865A, T405A, T1521A, T1524A, T2861A, T2742A, T2857A, T136A.
Identifiers: ClinVar variation 2140064 (VCV002140064.5), dbSNP rs1442972247, ClinGen allele CA412654587.

ClinVar aggregate classification (germline): Uncertain significance. Review status: criteria provided, multiple submitters, no conflicts (2 of 4 stars). 2 submissions from 2 submitters: Uncertain significance (2). Last evaluated 2024-09-11.

Conditions:
Duchenne muscular dystrophy (DMD). Also called: MUSCULAR DYSTROPHY, PSEUDOHYPERTROPHIC PROGRESSIVE, DUCHENNE TYPE; Duchenne Muscular Dystrophy (DMD). Identifiers: Orphanet 98896, MedGen C0013264, MONDO:0010679, OMIM 310200.

Allele frequency attached by ClinVar (database versions not stated): gnomAD exomes below 0.00001; TOPMed 0.00001.
gnomAD v4.1: 3 of 1,206,967 alleles (0.00025%); highest among the groups gnomAD compares: Non-Finnish European, 0.00034%; no homozygotes.

Submissions (2):

Labcorp Genetics (formerly Invitae), Labcorp
Classification: Uncertain significance for Duchenne muscular dystrophy. Last evaluated: 2024-09-11. Review status: criteria provided, single submitter. Criteria: Invitae Variant Classification Sherloc (09022015). Collection method: clinical testing. Allele origin: germline.
Comment: This sequence change replaces threonine, which is neutral and polar, with alanine, which is neutral and non-polar, at codon 2865 of the DMD protein (p.Thr2865Ala). This variant is not present in population databases (gnomAD no frequency). This variant has not been reported in the literature in individuals affected with DMD-related conditions. ClinVar contains an entry for this variant (Variation ID: 2140064). Invitae Evidence Modeling of protein sequence and biophysical properties (such as structural, functional, and spatial information, amino acid conservation, physicochemical variation, residue mobility, and thermodynamic stability) indicates that this missense variant is not expected to disrupt DMD protein function with a negative predictive value of 95%. In summary, the available evidence is currently insufficient to determine the role of this variant in disease. Therefore, it has been classified as a Variant of Uncertain Significance.

Revvity Omics, Revvity
Classification: Uncertain significance. Last evaluated: 2023-10-25. Review status: criteria provided, single submitter. Criteria: ACMG Guidelines, 2015. Collection method: clinical testing. Allele origin: germline.